The following is an entry in ClinVar:

NM_000381.4(MID1):c.1858G>T (p.Ala620Ser)

Genes: MID1 (midline 1; minus strand), LOC126863207 (BRD4-independent group 4 enhancer GRCh37_chrX:10416979-10418178; plus strand). Cytogenetic location: Xp22.2.
Variant type: single nucleotide variant.
Coding change: c.1858G>T on transcript NM_000381.4 (MANE Select); coding-DNA position 1858, G replaced by T.
Protein change: p.Ala620Ser; replaces alanine 620 with serine.
Molecular consequence: missense variant.
Genome position (GRCh38, 1-based): chrX:10,449,514, C>A on the plus strand (G>T on the coding strand, the complement: MID1 is on the minus strand). VCF-style: chrX-10449514-C-A. GRCh37 (hg19) VCF-style: chrX-10417554-C-A.
Other names: c.1858G>T, p.Ala620Ser (NM_001098624.2, NM_001193277.1, NM_001347733.2 and 1 more transcripts); c.1744G>T, p.Ala582Ser (NM_033289.2); short protein forms A620S, A582S.
Identifiers: ClinVar variation 2265226 (VCV002265226.3), dbSNP rs766217789, ClinGen allele CA10347397.

ClinVar aggregate classification (germline): Uncertain significance. Review status: criteria provided, multiple submitters, no conflicts (2 of 4 stars). 2 submissions from 2 submitters: Uncertain significance (2). Last evaluated 2024-11-18.

Conditions:
MID1-related disorder. Also called: MID1-related condition.
Inborn genetic diseases. Identifiers: MedGen C0950123, MeSH D030342.

Allele frequency attached by ClinVar (database versions not stated): gnomAD exomes below 0.00001; ExAC 0.00001; TOPMed 0.00001.
gnomAD v4.1: 1 of 1,211,829 alleles (0.000083%); highest among the groups gnomAD compares: Admixed American, 0.0022%; no homozygotes.

Submissions (2):

PreventionGenetics, part of Exact Sciences
Classification: Uncertain significance for MID1-related condition. Last evaluated: 2024-11-18. Review status: criteria provided, single submitter. Criteria: ACMG Guidelines, 2015. Collection method: clinical testing. Allele origin: germline.
Comment: The MID1 c.1858G>T variant is predicted to result in the amino acid substitution p.Ala620Ser. To our knowledge, this variant has not been reported in the literature. This variant is reported in 0.0036% of alleles in individuals of Latino descent in gnomAD. At this time, the clinical significance of this variant is uncertain due to the absence of conclusive functional and genetic evidence.

Ambry Genetics
Classification: Uncertain significance for Inborn genetic diseases. Last evaluated: 2021-12-06. Review status: criteria provided, single submitter. Criteria: Ambry Variant Classification Scheme 2023. Collection method: clinical testing. Allele origin: germline.